The following is an entry in ClinVar:

NM_145038.5(DRC1):c.1519A>C (p.Ile507Leu)

Gene: DRC1 (dynein regulatory complex subunit 1; plus strand). Cytogenetic location: 2p23.3.
Variant type: single nucleotide variant.
Coding change: c.1519A>C on transcript NM_145038.5 (MANE Select); coding-DNA position 1519, A replaced by C.
Protein change: p.Ile507Leu; replaces isoleucine 507 with leucine.
Molecular consequence: missense variant.
Genome position (GRCh38, 1-based): chr2:26,450,005, A>C. VCF-style: chr2-26450005-A-C. GRCh37 (hg19) VCF-style: chr2-26672873-A-C.
Other names: c.1519A>C (NM_145038.2, NM_145038.4); short protein forms I507L.
Identifiers: ClinVar variation 698169 (VCV000698169.13), dbSNP rs188055173, ClinGen allele CA1562303.

ClinVar aggregate classification (germline): Conflicting classifications of pathogenicity. Review status: criteria provided, conflicting classifications (1 of 4 stars). 3 submissions from 3 submitters: Uncertain significance (1); Likely benign (1). 1 of the submissions does not count toward it. Last evaluated 2025-12-08.

Conditions:
DRC1-related disorder. Also called: DRC1-related condition.
Inborn genetic diseases. Identifiers: MedGen C0950123, MeSH D030342.
Primary ciliary dyskinesia. Also called: Ciliary dyskinesia. Identifiers: Orphanet 244, MedGen C0008780, MONDO:0016575, HP:0012265.

Allele frequency attached by ClinVar (database versions not stated): TOPMed 0.00014; gnomAD 0.00022 and 0.00012; gnomAD exomes 0.00024 and 0.00039; ExAC 0.00046; 1000 Genomes Project 30x 0.00125; 1000 Genomes Project 0.00140.
gnomAD v4.1: 390 of 1,613,794 alleles (0.024%); highest among the groups gnomAD compares: East Asian, 0.7%; 1 homozygote.

Submissions (3):

Labcorp Genetics (formerly Invitae), Labcorp
Classification: Likely benign for Primary ciliary dyskinesia. Last evaluated: 2025-12-08. Review status: criteria provided, single submitter. Criteria: Invitae Variant Classification Sherloc (09022015). Collection method: clinical testing. Allele origin: germline.

Ambry Genetics
Classification: Uncertain significance for Inborn genetic diseases. Last evaluated: 2022-03-11. Review status: criteria provided, single submitter. Criteria: Ambry Variant Classification Scheme 2023. Collection method: clinical testing. Allele origin: germline.

PreventionGenetics, part of Exact Sciences
Classification: Likely benign for DRC1-related condition. Last evaluated: 2024-01-03. Review status: no assertion criteria provided. Collection method: clinical testing. Allele origin: germline. Not counted in ClinVar's aggregate classification.
Comment: This variant is classified as likely benign based on ACMG/AMP sequence variant interpretation guidelines (Richards et al. 2015 PMID: 25741868, with internal and published modifications).